The following is an entry in ClinVar:

ClinVar aggregate classification (germline): Uncertain significance (1 of 4 stars; one submission).

Conditions:
Hyperkalemic periodic paralysis. Also called: Familial hyperkalemic periodic paralysis; Gamstorp disease. Identifiers: Orphanet 682, MedGen C0238357, MONDO:0008224, OMIM 170500, HP:0007215.

Submission:

Labcorp Genetics (formerly Invitae), Labcorp
Classification: Uncertain significance for Hyperkalemic periodic paralysis. Last evaluated: 2022-04-25. Review status: criteria provided, single submitter. Criteria: Invitae Variant Classification Sherloc (09022015). Collection method: clinical testing. Allele origin: germline.
Comment: This sequence change results in a frameshift in the SCN4A gene (p.Thr1804Hisfs*43). While this is not anticipated to result in nonsense mediated decay, it is expected to disrupt the last 33 amino acid(s) of the SCN4A protein and extend the protein by 9 additional amino acid residues. This variant is present in population databases (no rsID available, gnomAD 0.002%). This variant has not been reported in the literature in individuals affected with SCN4A-related conditions. In summary, the available evidence is currently insufficient to determine the role of this variant in disease. Therefore, it has been classified as a Variant of Uncertain Significance.

NM_000334.4(SCN4A):c.5409dup (p.Thr1804fs)

Genes: GH-LCR (growth hormone locus control region; plus strand), SCN4A (sodium voltage-gated channel alpha subunit 4; minus strand). Cytogenetic location: 17q23.3.
Variant type: Duplication.
Coding change: c.5409dup on transcript NM_000334.4 (MANE Select); coding-DNA position 5409, one base duplicated (C; older notation c.5409dupC).
Protein change: p.Thr1804fs; shifts the reading frame from threonine 1804.
Molecular consequence: frameshift variant.
Genome position (GRCh38, 1-based): chr17:63,940,873, G duplicated on the plus strand (C on the coding strand, the reverse complement: SCN4A is on the minus strand); the first of 3 consecutive G bases (chr17:63,940,873-63,940,875); duplicating any one gives the same sequence. VCF-style (leftmost placement, unchanged base first): chr17-63940872-T-TG. GRCh37 (hg19) VCF-style: chr17-62018232-T-TG.
Other names: short protein forms T1804fs.
Identifiers: ClinVar variation 1993953 (VCV001993953.4), dbSNP rs1567815634, ClinGen allele CA627150453.
Genomic context (GRCh38, chr17:63,940,872, plus strand): 5'-CTGGGGGAGGGGCGGGAGGCCAGGCAGTGTCTGAGGGGCTGATGGGCATCAGCCCCATAG[T>TG]GGGTCCGGCGTCCCCTGCCTCGCCCTTCTCCTCCGGGCTTGGCGAGCTGCTGTTCCCATT-3'